The following is an entry in ClinVar:

NM_000051.4(ATM):c.6141A>G (p.Val2047=)

Genes: ATM (ATM serine/threonine kinase; plus strand), C11orf65 (chromosome 11 open reading frame 65; minus strand). Cytogenetic location: 11q22.3.
Variant type: single nucleotide variant.
Coding change: c.6141A>G on transcript NM_000051.4 (MANE Select); coding-DNA position 6141, A replaced by G.
Protein change: p.Val2047=; no amino-acid change (valine 2047 retained).
Molecular consequence: synonymous variant. On other transcripts: intron variant (2).
Genome position (GRCh38, 1-based): chr11:108,316,056, A>G. VCF-style: chr11-108316056-A-G. GRCh37 (hg19) VCF-style: chr11-108186783-A-G.
Other names: c.6141A>G, p.Val2047= (NM_001351834.2); c.641-6985T>C (NM_001330368.2); c.*39-6985T>C (NM_001351110.2).
Identifiers: ClinVar variation 453614 (VCV000453614.17), dbSNP rs978540099, ClinGen allele CA228401617.
Genomic context (GRCh38, chr11:108,316,056, plus strand): 5'-AATCTTTTCTTATAGACTACGAACATATGAACACGAAGCAATGTGGGGCAAAGCCCTAGT[A>G]ACATATGACCTCGAAACAGCAATCCCCTCATCAACACGCCAGGCAGGAATCATTCAGGTA-3'
Protein context (NP_000042.3, residues 2037-2057): EHEAMWGKAL[Val2047=]TYDLETAIPS

ClinVar aggregate classification (germline): Benign/Likely benign. Review status: criteria provided, multiple submitters, no conflicts (2 of 4 stars). 3 submissions from 3 submitters: Benign (1); Likely benign (2). Last evaluated 2025-02-05.

Conditions:
Hereditary cancer-predisposing syndrome. Also called: Neoplastic Syndromes, Hereditary; Hereditary Cancer Syndrome; Tumor predisposition; Hereditary neoplastic syndrome. Identifiers: Orphanet 140162, MedGen C0027672, MeSH D009386, MONDO:0015356.
Familial cancer of breast. Also called: Hereditary breast cancer; BREAST CANCER, FAMILIAL; hereditary breast carcinoma. Identifiers: Orphanet 227535, MedGen C0346153, MONDO:0016419, OMIM 114480. Disease mechanism: loss of function.
Ataxia-telangiectasia syndrome (AT). Also called: LOUIS-BAR SYNDROME; Cerebello-oculocutaneous telangiectasia; Immunodeficiency with ataxia telangiectasia; Ataxia-telangiectasia, complementation group D; AT, COMPLEMENTATION GROUP C; Ataxia-telangiectasia, complementation group E. Identifiers: Orphanet 100, MedGen C0004135, MONDO:0008840, OMIM 208900.

Allele frequency attached by ClinVar (database versions not stated): TOPMed 0.00001; gnomAD exomes below 0.00001.
gnomAD v4.1: 4 of 1,614,204 alleles (0.00025%); highest among the groups gnomAD compares: Admixed American, 0.0017%; no homozygotes.

Submissions (3):

Labcorp Genetics (formerly Invitae), Labcorp
Classification: Likely benign for Ataxia-telangiectasia syndrome. Last evaluated: 2025-02-05. Review status: criteria provided, single submitter. Criteria: Invitae Variant Classification Sherloc (09022015). Collection method: clinical testing. Allele origin: germline.

Myriad Genetics, Inc.
Classification: Benign for Familial cancer of breast. Last evaluated: 2024-06-03. Review status: criteria provided, single submitter. Criteria: Myriad Autosomal Dominant, Autosomal Recessive and X-Linked Classification Criteria (2023). Collection method: clinical testing. Allele origin: unknown.
Comment: This variant is considered benign. This variant is a silent/synonymous amino acid change and it is not expected to impact splicing.

Ambry Genetics
Classification: Likely benign for Hereditary cancer-predisposing syndrome. Last evaluated: 2016-03-03. Review status: criteria provided, single submitter. Criteria: Ambry Variant Classification Scheme 2023. Collection method: clinical testing. Allele origin: germline.